The following is an entry in ClinVar:

NM_004333.6(BRAF):c.649C>T (p.Leu217Phe)

Gene: BRAF (B-Raf proto-oncogene, serine/threonine kinase; minus strand). Cytogenetic location: 7q34.
Variant type: single nucleotide variant.
Coding change: c.649C>T on transcript NM_004333.6 (MANE Select); coding-DNA position 649, C replaced by T.
Protein change: p.Leu217Phe; replaces leucine 217 with phenylalanine.
Molecular consequence: missense variant.
Genome position (GRCh38, 1-based): chr7:140,808,022, G>A on the plus strand (C>T on the coding strand, the complement: BRAF is on the minus strand). VCF-style: chr7-140808022-G-A. GRCh37 (hg19) VCF-style: chr7-140507822-G-A.
Other names: c.385C>T, p.Leu129Phe (NM_001378475.1); c.649C>T, p.Leu217Phe (NM_001354609.2, NM_001374244.1, NM_001374258.1 and 4 more transcripts); c.658C>T, p.Leu220Phe (NM_001378467.1); c.547C>T, p.Leu183Phe (NM_001378470.1); c.493C>T, p.Leu165Phe (NM_001378472.1, NM_001378473.1); short protein forms L220F, L129F, L165F, L183F, L217F.
Identifiers: ClinVar variation 2840632 (VCV002840632.3), dbSNP rs2536358228, ClinGen allele CA369591157.

ClinVar aggregate classification (germline): Uncertain significance (1 of 4 stars; one submission).

Conditions:
RASopathy. Also called: Noonan spectrum disorder; rasopathies. Identifiers: Orphanet 536391, MedGen C5555857, MONDO:0021060.

Submission:

Labcorp Genetics (formerly Invitae), Labcorp
Classification: Uncertain significance for RASopathy. Last evaluated: 2023-05-31. Review status: criteria provided, single submitter. Criteria: Invitae Variant Classification Sherloc (09022015). Collection method: clinical testing. Allele origin: germline.
Comment: In summary, the available evidence is currently insufficient to determine the role of this variant in disease. Therefore, it has been classified as a Variant of Uncertain Significance. This sequence change replaces leucine, which is neutral and non-polar, with phenylalanine, which is neutral and non-polar, at codon 217 of the BRAF protein (p.Leu217Phe). This variant is not present in population databases (gnomAD no frequency). This variant has not been reported in the literature in individuals affected with BRAF-related conditions. Advanced modeling of protein sequence and biophysical properties (such as structural, functional, and spatial information, amino acid conservation, physicochemical variation, residue mobility, and thermodynamic stability) performed at Invitae indicates that this missense variant is expected to disrupt BRAF protein function.